The following is an entry in ClinVar:

NM_207354.3(ANKRD13D):c.251G>T (p.Gly84Val)

Gene: ANKRD13D (ankyrin repeat domain 13D; plus strand). Cytogenetic location: 11q13.2.
Variant type: single nucleotide variant.
Coding change: c.251G>T on transcript NM_207354.3 (MANE Select); coding-DNA position 251, G replaced by T.
Protein change: p.Gly84Val; replaces glycine 84 with valine.
Molecular consequence: missense variant. On other transcripts: 5 prime UTR variant (1).
Genome position (GRCh38, 1-based): chr11:67,290,346, G>T. VCF-style: chr11-67290346-G-T. GRCh37 (hg19) VCF-style: chr11-67057817-G-T.
Other names: c.-11G>T (NM_001347901.2); short protein forms G84V.
Identifiers: ClinVar variation 92041 (VCV000092041.2), dbSNP rs386352277, ClinGen allele CA232407.
Genomic context (GRCh38, chr11:67,290,346, plus strand): 5'-TCTGGAGGGCTCCCCTCAGCAGCCTGGTGCCCGCAGTCCTGCAGGAGGCAGTCAGCACTG[G>T]AGACCCCGAGATGGTGCAGCTGGTGCTCCAGTATCGGGACTACCAGAGGGCCACGCAGAG-3'
Protein context (NP_997237.2, residues 74-94): WAVLQEAVST[Gly84Val]DPEMVQLVLQ

ClinVar aggregate classification (germline): Uncertain significance (0 of 4 stars; one submission).

Submission:

Richard Lifton Laboratory, Yale University School of Medicine
Classification: Uncertain significance. Review status: no assertion criteria provided. Collection method: not provided. Allele origin: somatic.
Comment: ANKRD13D
ClinVar note: Converted during submission from unknown to Uncertain significance.